The following is an entry in ClinVar:

ClinVar aggregate classification (germline): Benign. Review status: criteria provided, multiple submitters, no conflicts (2 of 4 stars). 2 submissions from 2 submitters: Benign (2). Last evaluated 2026-03-01.

gnomAD v4.1: 12,567 of 1,609,886 alleles (0.78%); highest among the groups gnomAD compares: South Asian, 3.9%; 139 homozygotes.

Submissions (2):

CeGaT Center for Human Genetics Tuebingen
Classification: Benign. Last evaluated: 2026-03-01. Review status: criteria provided, single submitter. Criteria: CeGaT Center For Human Genetics Tuebingen Variant Classification Criteria Version 2. Collection method: clinical testing. Allele origin: germline. Affected: yes. Observed: 2 variant alleles.
Comment: CLTCL1: BP4, BS1, BS2

Mayo Clinic Laboratories, Mayo Clinic
Classification: Benign. Last evaluated: 2023-08-30. Review status: criteria provided, single submitter. Criteria: ACMG Guidelines, 2015. Collection method: clinical testing. Allele origin: germline. Observed: 17 variant alleles.
Comment: BS1, BS2, BP4

Literature cited by the submitters: PubMed 28007035 (cited by Mayo Clinic Laboratories, Mayo Clinic).

NM_007098.4(CLTCL1):c.130G>T (p.Val44Phe)

Gene: CLTCL1 (clathrin heavy chain like 1; minus strand). Cytogenetic location: 22q11.21.
Variant type: single nucleotide variant.
Coding change: c.130G>T on transcript NM_007098.4 (MANE Select); coding-DNA position 130, G replaced by T.
Protein change: p.Val44Phe; replaces valine 44 with phenylalanine.
Molecular consequence: missense variant.
Genome position (GRCh38, 1-based): chr22:19,275,743, C>A on the plus strand (G>T on the coding strand, the complement: CLTCL1 is on the minus strand). VCF-style: chr22-19275743-C-A. GRCh37 (hg19) VCF-style: chr22-19263266-C-A.
Other names: p.Val44Phe; c.130G>T, p.Val44Phe (NM_001835.4); short protein forms V44F.
Identifiers: ClinVar variation 4083525 (VCV004083525.9).